The following is an entry in ClinVar:

ClinVar aggregate classification (germline): Uncertain significance (1 of 4 stars; one submission).

Conditions:
Adams-Oliver syndrome 5 (AOS5). Identifiers: Orphanet 974, MedGen C4014970, MONDO:0014459, OMIM 616028.

gnomAD v4.1: 1 of 1,612,730 alleles (0.000062%); highest among the groups gnomAD compares: Non-Finnish European, 0.000085%; no homozygotes.

Submission:

Labcorp Genetics (formerly Invitae), Labcorp
Classification: Uncertain significance for Adams-Oliver syndrome 5. Last evaluated: 2024-02-22. Review status: criteria provided, single submitter. Criteria: Invitae Variant Classification Sherloc (09022015). Collection method: clinical testing. Allele origin: germline.
Comment: This sequence change replaces threonine, which is neutral and polar, with isoleucine, which is neutral and non-polar, at codon 293 of the NOTCH1 protein (p.Thr293Ile). This variant is not present in population databases (gnomAD no frequency). This variant has not been reported in the literature in individuals affected with NOTCH1-related conditions. Advanced modeling of protein sequence and biophysical properties (such as structural, functional, and spatial information, amino acid conservation, physicochemical variation, residue mobility, and thermodynamic stability) performed at Invitae indicates that this missense variant is not expected to disrupt NOTCH1 protein function with a negative predictive value of 95%. In summary, the available evidence is currently insufficient to determine the role of this variant in disease. Therefore, it has been classified as a Variant of Uncertain Significance.

NM_017617.5(NOTCH1):c.878C>T (p.Thr293Ile)

Gene: NOTCH1 (notch receptor 1; minus strand). Cytogenetic location: 9q34.3.
Variant type: single nucleotide variant.
Coding change: c.878C>T on transcript NM_017617.5 (MANE Select); coding-DNA position 878, C replaced by T.
Protein change: p.Thr293Ile; replaces threonine 293 with isoleucine.
Molecular consequence: missense variant.
Genome position (GRCh38, 1-based): chr9:136,518,812, G>A on the plus strand (C>T on the coding strand, the complement: NOTCH1 is on the minus strand). VCF-style: chr9-136518812-G-A. GRCh37 (hg19) VCF-style: chr9-139413264-G-A.
Other names: short protein forms T293I.
Identifiers: ClinVar variation 3635976 (VCV003635976.2).